The following is an entry in ClinVar:

NM_180989.6(GPR180):c.852G>A (p.Thr284=)

Gene: GPR180 (G protein-coupled receptor 180; plus strand). Cytogenetic location: 13q32.1.
Variant type: single nucleotide variant.
Coding change: c.852G>A on transcript NM_180989.6 (MANE Select); coding-DNA position 852, G replaced by A.
Protein change: p.Thr284=; no amino-acid change (threonine 284 retained).
Molecular consequence: synonymous variant.
Genome position (GRCh38, 1-based): chr13:94,621,193, G>A. VCF-style: chr13-94621193-G-A. GRCh37 (hg19) VCF-style: chr13-95273447-G-A.
Identifiers: ClinVar variation 3059754 (VCV003059754.2), dbSNP rs12429818, ClinGen allele CA7018476.

ClinVar aggregate classification (germline): Benign (0 of 4 stars; one submission).

Conditions:
GPR180-related disorder. Also called: GPR180-related condition.

Allele frequency attached by ClinVar (database versions not stated): ESP Exome Variant Server 0.08558; gnomAD 0.11377; TOPMed 0.12557; gnomAD exomes 0.13220; ExAC 0.16090; 1000 Genomes Project 30x 0.16193; 1000 Genomes Project 0.16573.

Submission:

PreventionGenetics, part of Exact Sciences
Classification: Benign for GPR180-related condition. Last evaluated: 2019-10-21. Review status: no assertion criteria provided. Collection method: clinical testing. Allele origin: germline.
Comment: This variant is classified as benign based on ACMG/AMP sequence variant interpretation guidelines (Richards et al. 2015 PMID: 25741868, with internal and published modifications).